The following is an entry in ClinVar:

NM_003673.4(TCAP):c.452C>G (p.Ala151Gly)

Gene: TCAP (titin-cap; plus strand). Cytogenetic location: 17q12.
Variant type: single nucleotide variant.
Coding change: c.452C>G on transcript NM_003673.4 (MANE Select); coding-DNA position 452, C replaced by G.
Protein change: p.Ala151Gly; replaces alanine 151 with glycine.
Molecular consequence: missense variant.
Genome position (GRCh38, 1-based): chr17:39,666,057, C>G. VCF-style: chr17-39666057-C-G. GRCh37 (hg19) VCF-style: chr17-37822310-C-G.
Other names: short protein forms A151G.
Identifiers: ClinVar variation 3453996 (VCV003453996.1).
Genomic context (GRCh38, chr17:39,666,057, plus strand): 5'-AGGAGGTGGCTGAGATCACAAAGCAGCTGCCCCCTGTGGTGCCTGTCAGCAAGCCCGGTG[C>G]ACTTCGTCGCTCCCTGTCCCGCTCCATGTCCCAGGAAGCACAGAGAGGCTGAGAGGGACT-3'
Protein context (NP_003664.1, residues 141-161): PPVVPVSKPG[Ala151Gly]LRRSLSRSMS

ClinVar aggregate classification (germline): Uncertain significance (1 of 4 stars; one submission).

Conditions:
Cardiovascular phenotype. Identifiers: MedGen CN230736.

Submission:

Ambry Genetics
Classification: Uncertain significance for Cardiovascular phenotype. Last evaluated: 2024-10-14. Review status: criteria provided, single submitter. Criteria: Ambry Variant Classification Scheme 2023. Collection method: clinical testing. Allele origin: germline.
Comment: The p.A151G variant (also known as c.452C>G), located in coding exon 2 of the TCAP gene, results from a C to G substitution at nucleotide position 452. The alanine at codon 151 is replaced by glycine, an amino acid with similar properties. This amino acid position is conserved. In addition, this alteration is predicted to be tolerated by in silico analysis. Based on the available evidence, the clinical significance of this variant remains unclear.